The following is an entry in ClinVar:

ClinVar aggregate classification (germline): Uncertain significance (1 of 4 stars; one submission).

Conditions:
COL4A2-related disorder. Also called: COL4A2-related disorders; COL4A2-related condition.

Submission:

PreventionGenetics, part of Exact Sciences
Classification: Uncertain significance for COL4A2-related condition. Last evaluated: 2023-09-07. Review status: criteria provided, single submitter. Criteria: ACMG Guidelines, 2015. Collection method: clinical testing. Allele origin: germline.
Comment: The COL4A2 c.4536G>A variant is predicted to result in premature protein termination (p.Trp1512*). To our knowledge, this variant has not been reported in the literature or in a large population database, indicating this variant is rare. Truncating variants in COL4A2 have been reported to be pathogenic for schizencephaly, porencephaly, polymicrogyria and other cortical malformations (Cavallin et al. 2018. PubMed ID: 30315939; Itai et al. 2021. PubMed ID: 32732225; Yaron et al. 2022. PubMed ID: 35229910). Of note, truncating variants in this gene are interpreted as pathogenic to uncertain in ClinVar. Although we suspect that this variant may be pathogenic, at this time, the clinical significance is uncertain due to the absence of conclusive functional and genetic evidence.

NM_001846.4(COL4A2):c.4536G>A (p.Trp1512Ter)

Genes: COL4A2 (collagen type IV alpha 2 chain; plus strand), COL4A2-AS1 (COL4A2 antisense RNA 1; minus strand). Cytogenetic location: 13q34.
Variant type: single nucleotide variant.
Coding change: c.4536G>A on transcript NM_001846.4 (MANE Select); coding-DNA position 4536, G replaced by A.
Protein change: p.Trp1512Ter; replaces tryptophan 1512 with a stop codon.
Molecular consequence: nonsense.
Genome position (GRCh38, 1-based): chr13:110,506,548, G>A. VCF-style: chr13-110506548-G-A. GRCh37 (hg19) VCF-style: chr13-111158895-G-A.
Other names: short protein forms W1512*.
Identifiers: ClinVar variation 2631259 (VCV002631259.1), dbSNP rs2502213971, ClinGen allele CA388739880.